The following is an entry in ClinVar:

ClinVar aggregate classification (germline): Uncertain significance (1 of 4 stars; one submission).

Conditions:
Cardiovascular phenotype. Identifiers: MedGen CN230736.

gnomAD v4.1: 9 of 1,608,620 alleles (0.00056%); highest among the groups gnomAD compares: East Asian, 0.016%; no homozygotes.

Submission:

Ambry Genetics
Classification: Uncertain significance for Cardiovascular phenotype. Last evaluated: 2025-07-10. Review status: criteria provided, single submitter. Criteria: Ambry Variant Classification Scheme 2023. Collection method: clinical testing. Allele origin: germline.
Comment: The p.A125V variant (also known as c.374C>T), located in coding exon 4 of the ANK2 gene, results from a C to T substitution at nucleotide position 374. The alanine at codon 125 is replaced by valine, an amino acid with similar properties. This variant has been reported in an autism cohort (Guo H et al. Mol Autism, 2018 Dec;9:64). This amino acid position is highly conserved in available vertebrate species. In addition, the in silico prediction for this alteration is inconclusive. Based on the available evidence, the clinical significance of this variant remains unclear.

Literature cited by the submitters: PubMed 30564305.

NM_001148.6(ANK2):c.374C>T (p.Ala125Val)

Gene: ANK2 (ankyrin 2; plus strand). Cytogenetic location: 4q25.
Variant type: single nucleotide variant.
Coding change: c.374C>T on transcript NM_001148.6 (MANE Select); coding-DNA position 374, C replaced by T.
Protein change: p.Ala125Val; replaces alanine 125 with valine.
Molecular consequence: missense variant.
Genome position (GRCh38, 1-based): chr4:113,199,099, C>T. VCF-style: chr4-113199099-C-T. GRCh37 (hg19) VCF-style: chr4-114120255-C-T.
Other names: c.311C>T, p.Ala104Val (NM_001127493.3, NM_001354243.2, NM_001354244.2 and 33 more transcripts); c.374C>T, p.Ala125Val (NM_001354225.2, NM_001354228.2, NM_001354245.2 and 9 more transcripts); c.419C>T, p.Ala140Val (NM_001354230.2, NM_001386152.1, NM_001354231.2 and 5 more transcripts); c.362C>T, p.Ala121Val (NM_001354269.3, NM_001386148.2, NM_001386186.2 and 1 more transcripts); c.356C>T, p.Ala119Val (NM_001386160.1, NM_001354261.2, NM_001386147.1); c.425C>T, p.Ala142Val (NM_001386174.1, NM_001386175.1); short protein forms A104V, A140V, A142V, A125V, A119V, A121V.
Identifiers: ClinVar variation 4096341 (VCV004096341.1).